The following is an entry in ClinVar:

NM_001194998.2(CEP152):c.2401_2403del (p.Ser801del)

Gene: CEP152 (centrosomal protein 152; minus strand). Cytogenetic location: 15q21.1.
Variant type: Deletion.
Coding change: c.2401_2403del on transcript NM_001194998.2 (MANE Select); coding-DNA positions 2401 to 2403, 3 bases deleted (AGT; older notation c.2401_2403delAGT).
Protein change: p.Ser801del; deletes serine 801.
Molecular consequence: inframe deletion.
Genome position (GRCh38, 1-based): chr15:48,762,550-48,762,552, ACT deleted on the plus strand (AGT on the coding strand, the reverse complement: CEP152 is on the minus strand). VCF-style (leftmost placement, unchanged base first): chr15-48762549-CACT-C. GRCh37 (hg19) VCF-style: chr15-49054746-CACT-C.
Other names: c.2401_2403del, p.Ser801del (NM_014985.4); short protein forms S801del.
Identifiers: ClinVar variation 2044594 (VCV002044594.1), dbSNP rs765628778, ClinGen allele CA7548568.

ClinVar aggregate classification (germline): Uncertain significance (1 of 4 stars; one submission).

Allele frequency attached by ClinVar (database versions not stated): gnomAD 0.00002; gnomAD exomes 0.00005; TOPMed 0.00009; ExAC 0.00020.

Submission:

Labcorp Genetics (formerly Invitae), Labcorp
Classification: Uncertain significance. Last evaluated: 2022-08-23. Review status: criteria provided, single submitter. Criteria: Invitae Variant Classification Sherloc (09022015). Collection method: clinical testing. Allele origin: germline.
Comment: This variant, c.2401_2403del, results in the deletion of 1 amino acid(s) of the CEP152 protein (p.Ser801del), but otherwise preserves the integrity of the reading frame. This variant is present in population databases (rs765628778, gnomAD 0.2%), including at least one homozygous and/or hemizygous individual. This variant has not been reported in the literature in individuals affected with CEP152-related conditions. Experimental studies and prediction algorithms are not available or were not evaluated, and the functional significance of this variant is currently unknown. In summary, the available evidence is currently insufficient to determine the role of this variant in disease. Therefore, it has been classified as a Variant of Uncertain Significance.